The following is an entry in ClinVar:

NM_138383.3(MTSS2):c.230C>T (p.Ala77Val)

Gene: MTSS2 (MTSS I-BAR domain containing 2; minus strand). Cytogenetic location: 16q22.1.
Variant type: single nucleotide variant.
Coding change: c.230C>T on transcript NM_138383.3 (MANE Select); coding-DNA position 230, C replaced by T.
Protein change: p.Ala77Val; replaces alanine 77 with valine.
Molecular consequence: missense variant.
Genome position (GRCh38, 1-based): chr16:70,680,031, G>A on the plus strand (C>T on the coding strand, the complement: MTSS2 is on the minus strand). VCF-style: chr16-70680031-G-A. GRCh37 (hg19) VCF-style: chr16-70713934-G-A.
Other names: short protein forms A77V.
Identifiers: ClinVar variation 3600897 (VCV003600897.2).

ClinVar aggregate classification (germline): Uncertain significance (1 of 4 stars; one submission).

gnomAD v4.1: 6 of 1,530,188 alleles (0.00039%); highest among the groups gnomAD compares: Non-Finnish European, 0.00052%; no homozygotes.

Submission:

GeneDx
Classification: Uncertain significance. Last evaluated: 2025-09-26. Review status: criteria provided, single submitter. Criteria: GeneDx Variant Classification Process June 2021. Collection method: clinical testing. Allele origin: germline. Affected: yes.
Comment: Has not been previously published as pathogenic or benign to our knowledge; Not observed at significant frequency in large population cohorts (gnomAD); In silico analysis supports that this missense variant has a deleterious effect on protein structure/function